The following is an entry in ClinVar:

NM_000037.4(ANK1):c.5251G>A (p.Glu1751Lys)

Gene: ANK1 (ankyrin 1; minus strand). Cytogenetic location: 8p11.21.
Variant type: single nucleotide variant.
Coding change: c.5251G>A on transcript NM_000037.4 (MANE Select); coding-DNA position 5251, G replaced by A.
Protein change: p.Glu1751Lys; replaces glutamic acid 1751 with lysine.
Molecular consequence: missense variant.
Genome position (GRCh38, 1-based): chr8:41,668,410, C>T on the plus strand (G>A on the coding strand, the complement: ANK1 is on the minus strand). VCF-style: chr8-41668410-C-T. GRCh37 (hg19) VCF-style: chr8-41525928-C-T.
Other names: p.Glu1751Lys; c.5374G>A, p.Glu1792Lys (NM_001142446.2); c.5251G>A, p.Glu1751Lys (NM_020475.3, NM_020476.3); c.4765G>A, p.Glu1589Lys (NM_020477.3); short protein forms E1589K, E1751K, E1792K.
Identifiers: ClinVar variation 4077950 (VCV004077950.2).
Genomic context (GRCh38, chr8:41,668,410, plus strand): 5'-AGCTCTCAGCCTCGGGCTGTTCTGTCCACGTGTGCTCACTTACAGACACCAGGACCTTCT[C>T]GTACTCCTGAGATCCACCGGGCTCTAGCCCTTCAGTCATGGTACTTGTTCCCTGGAATGA-3'
Protein context (NP_000028.3, residues 1741-1761): GLEPGGSQEY[Glu1751Lys]KVLVSVSEHT

ClinVar aggregate classification (germline): Uncertain significance. Review status: criteria provided, multiple submitters, no conflicts (2 of 4 stars). 2 submissions from 2 submitters: Uncertain significance (2). Last evaluated 2024-11-25.

Conditions:
Hereditary spherocytosis type 1. Also called: Spherocytosis type 1; ANK1-Related Spherocytosis. Identifiers: Orphanet 822, MedGen C2674218, MONDO:0008447, OMIM 182900.

gnomAD v4.1: 29 of 1,614,112 alleles (0.0018%); highest among the groups gnomAD compares: Middle Eastern, 0.033%; no homozygotes.

Submissions (2):

Mayo Clinic Laboratories, Mayo Clinic
Classification: Uncertain significance. Last evaluated: 2024-11-25. Review status: criteria provided, single submitter. Criteria: ACMG Guidelines, 2015. Collection method: clinical testing. Allele origin: germline. Observed: 1 variant allele.
Comment: BP4, PM2_supporting

Revvity Omics, Revvity
Classification: Uncertain significance for Hereditary spherocytosis type 1. Last evaluated: 2024-05-21. Review status: criteria provided, single submitter. Criteria: ACMG Guidelines, 2015. Collection method: clinical testing. Allele origin: germline.